The following is an entry in ClinVar:

NM_030912.3(TRIM8):c.697C>T (p.Arg233Trp)

Gene: TRIM8 (tripartite motif containing 8; plus strand). Cytogenetic location: 10q24.32.
Variant type: single nucleotide variant.
Coding change: c.697C>T on transcript NM_030912.3 (MANE Select); coding-DNA position 697, C replaced by T.
Protein change: p.Arg233Trp; replaces arginine 233 with tryptophan.
Molecular consequence: missense variant. On other transcripts: non-coding transcript variant (1).
Genome position (GRCh38, 1-based): chr10:102,655,110, C>T. VCF-style: chr10-102655110-C-T. GRCh37 (hg19) VCF-style: chr10-104414867-C-T.
Other names: c.601C>T, p.Arg201Trp (NM_001345950.1); short protein forms R201W, R233W.
Identifiers: ClinVar variation 1723865 (VCV001723865.4), dbSNP rs2492909028, ClinGen allele CA377928902.
Genomic context (GRCh38, chr10:102,655,110, plus strand): 5'-CCTGCCCACTCCTGCCCTCTGTACTCGCAGGAGAAAGTGAACCAACTGAAGGAGGAAGTT[C>T]GGCTGCAGTACGAGAAGCTGCACCAGCTGCTGGACGAGGACCTGCGGCAGACAGTGGAGG-3'
Protein context (NP_112174.2, residues 223-243): EKVNQLKEEV[Arg233Trp]LQYEKLHQLL

ClinVar aggregate classification (germline): Uncertain significance. Review status: criteria provided, multiple submitters, no conflicts (2 of 4 stars). 2 submissions from 2 submitters: Uncertain significance (2). Last evaluated 2026-01-24.

gnomAD v4.1: 1 of 1,612,794 alleles (0.000062%); highest among the groups gnomAD compares: East Asian, 0.0022%; no homozygotes.

Submissions (2):

Labcorp Genetics (formerly Invitae), Labcorp
Classification: Uncertain significance. Last evaluated: 2026-01-24. Review status: criteria provided, single submitter. Criteria: Invitae Variant Classification Sherloc (09022015). Collection method: clinical testing. Allele origin: germline.
Comment: This sequence change replaces arginine, which is basic and polar, with tryptophan, which is neutral and slightly polar, at codon 233 of the TRIM8 protein (p.Arg233Trp). This variant is not present in population databases (gnomAD no frequency). This variant has not been reported in the literature in individuals affected with TRIM8-related conditions. ClinVar contains an entry for this variant (Variation ID: 1723865). An algorithm developed to predict the effect of missense changes on protein structure and function (PolyPhen-2) suggests that this variant is likely to be disruptive. In summary, the available evidence is currently insufficient to determine the role of this variant in disease. Therefore, it has been classified as a Variant of Uncertain Significance.

GeneDx
Classification: Uncertain significance. Last evaluated: 2022-05-11. Review status: criteria provided, single submitter. Criteria: GeneDx Variant Classification Process June 2021. Collection method: clinical testing. Allele origin: germline. Affected: yes.
Comment: Not observed at significant frequency in large population cohorts (gnomAD); In silico analysis supports that this missense variant has a deleterious effect on protein structure/function; Has not been previously published as pathogenic or benign to our knowledge